The following is an entry in ClinVar:

ClinVar aggregate classification (germline): Uncertain significance (1 of 4 stars; one submission).

Conditions:
Hereditary cancer-predisposing syndrome. Also called: Neoplastic Syndromes, Hereditary; Tumor predisposition; Hereditary neoplastic syndrome; Hereditary Cancer Syndrome. Identifiers: Orphanet 140162, MedGen C0027672, MeSH D009386, MONDO:0015356.
Cardiovascular phenotype. Identifiers: MedGen CN230736.

Submission:

Ambry Genetics
Classification: Uncertain significance for Cardiovascular phenotype; Hereditary cancer-predisposing syndrome. Last evaluated: 2023-09-14. Review status: criteria provided, single submitter. Criteria: Ambry Variant Classification Scheme 2023. Collection method: clinical testing. Allele origin: germline.
Comment: The p.Y2141F variant (also known as c.6422A>T), located in coding exon 42 of the NF1 gene, results from an A to T substitution at nucleotide position 6422. The tyrosine at codon 2141 is replaced by phenylalanine, an amino acid with highly similar properties. This amino acid position is conserved. In addition, the in silico prediction for this alteration is inconclusive. Since supporting evidence is limited at this time, the clinical significance of this alteration remains unclear.

NM_001042492.3(NF1):c.6485A>T (p.Tyr2162Phe)

Gene: NF1 (neurofibromin 1; plus strand). Cytogenetic location: 17q11.2.
Variant type: single nucleotide variant.
Coding change: c.6485A>T on transcript NM_001042492.3 (MANE Select); coding-DNA position 6485, A replaced by T.
Protein change: p.Tyr2162Phe; replaces tyrosine 2162 with phenylalanine.
Molecular consequence: missense variant.
Genome position (GRCh38, 1-based): chr17:31,337,425, A>T. VCF-style: chr17-31337425-A-T. GRCh37 (hg19) VCF-style: chr17-29664443-A-T.
Other names: c.6422A>T, p.Tyr2141Phe (NM_000267.4); short protein forms Y2141F, Y2162F.
Identifiers: ClinVar variation 3237879 (VCV003237879.1), dbSNP rs2151556132.